The following is an entry in ClinVar:

NM_001080517.3(SETD5):c.278G>A (p.Cys93Tyr)

Gene: SETD5 (SET domain containing 5; plus strand). Cytogenetic location: 3p25.3.
Variant type: single nucleotide variant.
Coding change: c.278G>A on transcript NM_001080517.3 (MANE Select); coding-DNA position 278, G replaced by A.
Protein change: p.Cys93Tyr; replaces cysteine 93 with tyrosine.
Molecular consequence: missense variant. On other transcripts: 5 prime UTR variant (2).
Genome position (GRCh38, 1-based): chr3:9,434,434, G>A. VCF-style: chr3-9434434-G-A. GRCh37 (hg19) VCF-style: chr3-9476118-G-A.
Other names: c.-56G>A (NM_001292043.2); c.-97G>A (NM_001349451.2); short protein forms C93Y.
Identifiers: ClinVar variation 1700306 (VCV001700306.2), dbSNP rs2125096921, ClinGen allele CA351682889.

ClinVar aggregate classification (germline): Uncertain significance (1 of 4 stars; one submission).

Submission:

GeneDx
Classification: Uncertain significance. Last evaluated: 2022-02-02. Review status: criteria provided, single submitter. Criteria: GeneDx Variant Classification Process June 2021. Collection method: clinical testing. Allele origin: germline. Affected: yes.
Comment: Not observed at significant frequency in large population cohorts (gnomAD); In silico analysis supports that this missense variant has a deleterious effect on protein structure/function; Has not been previously published as pathogenic or benign to our knowledge